The following is an entry in ClinVar:

NM_001005242.3(PKP2):c.224-1639_274del

Gene: PKP2 (plakophilin 2; minus strand). Cytogenetic location: 12p11.21.
Variant type: Deletion.
Coding change: c.224-1639_274del on transcript NM_001005242.3 (MANE Select); 1639 bases into the intron before coding-DNA position 224 through coding-DNA position 274, 1,690 bases deleted.
Molecular consequence: splice acceptor variant.
Genome position (GRCh38, 1-based): chr12:32,878,982-32,880,671, 1,690 bases deleted. GRCh37 (hg19): chr12:33,031,916-33,033,605.
Other names: c.224-1639_274del1690 (NM_004572.3); c.224-1639_274del (NM_004572.4).
Identifiers: ClinVar variation 572940 (VCV000572940.5), ClinGen allele CA891843481.

ClinVar aggregate classification (germline): Pathogenic/Likely pathogenic. Review status: criteria provided, multiple submitters, no conflicts (2 of 4 stars). 2 submissions from 2 submitters: Pathogenic (1); Likely pathogenic (1). Last evaluated 2025-06-24.

Conditions:
Cardiovascular phenotype. Identifiers: MedGen CN230736.
Arrhythmogenic right ventricular dysplasia 9 (ARVD9). Also called: ARRHYTHMOGENIC RIGHT VENTRICULAR DYSPLASIA, FAMILIAL, 9; Arrhythmogenic Right Ventricular Dysplasia/Cardiomyopathy 9. Identifiers: MedGen C1836906, MONDO:0012180, OMIM 609040.

Submissions (2):

Ambry Genetics
Classification: Likely pathogenic for Cardiovascular phenotype. Last evaluated: 2025-06-24. Review status: criteria provided, single submitter. Criteria: Ambry Variant Classification Scheme 2023. Collection method: clinical testing. Allele origin: germline.
Comment: The c.224-1639_274del1690 gross deletion includes at least a portion of coding exon 2 in the PKP2 gene, including the canonical splice acceptor site. In silico splice site analysis predicts that this alteration will weaken the native splice acceptor site and may result in the creation or strengthening of a novel splice acceptor site. Alterations that disrupt the canonical splice site are expected to cause aberrant splicing, resulting in an abnormal protein or a transcript that is subject to nonsense-mediated mRNA decay. As such, this alteration is classified as likely pathogenic.

Labcorp Genetics (formerly Invitae), Labcorp
Classification: Pathogenic for Arrhythmogenic right ventricular cardiomyopathy, type 9. Last evaluated: 2019-12-30. Review status: criteria provided, single submitter. Criteria: Invitae Variant Classification Sherloc (09022015). Collection method: clinical testing. Allele origin: germline.
Comment: This variant is a gross deletion of the genomic region encompassing part of exon 2 of the PKP2 gene including the intron 1-exon 2 boundary (c.224-1639_274del). This is expected to create a premature translational stop signal and result in an absent or truncated protein. This variant has not been reported in the literature in individuals with PKP2-related disease. Loss-of-function variants in PKP2 are known to be pathogenic (PMID: 15489853, 23911551). ClinVar contains an entry for this variant (Variation ID: 572940). For these reasons, this variant has been classified as Pathogenic.